The following is an entry in ClinVar:

ClinVar aggregate classification (germline): Uncertain significance (1 of 4 stars; one submission).

Conditions:
Usher syndrome type 3B. Also called: USHER SYNDROME, TYPE IIIB. Identifiers: MedGen C3281066, MONDO:0013788, OMIM 614504.

Allele frequency attached by ClinVar (database versions not stated): gnomAD exomes below 0.00001.
gnomAD v4.1: 2 of 1,613,914 alleles (0.00012%); highest among the groups gnomAD compares: South Asian, 0.0011%; no homozygotes.

Submission:

Labcorp Genetics (formerly Invitae), Labcorp
Classification: Uncertain significance for Usher syndrome type 3B. Last evaluated: 2025-04-21. Review status: criteria provided, single submitter. Criteria: Invitae Variant Classification Sherloc (09022015). Collection method: clinical testing. Allele origin: germline.
Comment: This sequence change replaces arginine, which is basic and polar, with tryptophan, which is neutral and slightly polar, at codon 169 of the HARS protein (p.Arg169Trp). This variant is not present in population databases (gnomAD no frequency). This variant has not been reported in the literature in individuals affected with HARS-related conditions. ClinVar contains an entry for this variant (Variation ID: 2970883). Invitae Evidence Modeling of protein sequence and biophysical properties (such as structural, functional, and spatial information, amino acid conservation, physicochemical variation, residue mobility, and thermodynamic stability) indicates that this missense variant is expected to disrupt HARS protein function with a positive predictive value of 80%. In summary, the available evidence is currently insufficient to determine the role of this variant in disease. Therefore, it has been classified as a Variant of Uncertain Significance.

NM_002109.6(HARS1):c.505C>T (p.Arg169Trp)

Gene: HARS1 (histidyl-tRNA synthetase 1; minus strand). Cytogenetic location: 5q31.3.
Variant type: single nucleotide variant.
Coding change: c.505C>T on transcript NM_002109.6 (MANE Select); coding-DNA position 505, C replaced by T.
Protein change: p.Arg169Trp; replaces arginine 169 with tryptophan.
Molecular consequence: missense variant. On other transcripts: intron variant (4).
Genome position (GRCh38, 1-based): chr5:140,679,019, G>A on the plus strand (C>T on the coding strand, the complement: HARS1 is on the minus strand). VCF-style: chr5-140679019-G-A. GRCh37 (hg19) VCF-style: chr5-140058604-G-A.
Other names: c.385C>T, p.Arg129Trp (NM_001258040.3); c.418C>T, p.Arg140Trp (NM_001289094.2); c.181-1004C>T (NM_001289093.2); c.342+43C>T (NM_001258042.3); c.301-1004C>T (NM_001289092.2); c.462+43C>T (NM_001258041.3); short protein forms R129W, R169W, R140W.
Identifiers: ClinVar variation 2970883 (VCV002970883.3), dbSNP rs748357038, ClinGen allele CA128377751.